The following is an entry in ClinVar:

ClinVar aggregate classification (germline): Uncertain significance (1 of 4 stars; one submission).

Conditions:
Cardiomyopathy (CMYO). Also called: Cardiomyopathies. Identifiers: Orphanet 167848, MedGen C0878544, MONDO:0004994, HP:0001638. Inheritance: Various modes of inheritance.

Allele frequency attached by ClinVar (database versions not stated): TOPMed below 0.00001.

Submission:

Color Diagnostics, LLC DBA Color Health
Classification: Uncertain significance for Cardiomyopathy. Last evaluated: 2024-03-06. Review status: criteria provided, single submitter. Criteria: ACMG Guidelines, 2015. Collection method: clinical testing. Allele origin: germline.
Comment: This missense variant replaces arginine with glycine at codon 123 of the DSC2 protein. Computational prediction suggests that this variant may not impact protein structure and function (internally defined REVEL score threshold <= 0.5, PMID: 27666373). To our knowledge, functional studies have not been reported for this variant. This variant has not been reported in individuals affected with cardiovascular disorders in the literature. This variant has not been identified in the general population by the Genome Aggregation Database (gnomAD). The available evidence is insufficient to determine the role of this variant in disease conclusively. Therefore, this variant is classified as a Variant of Uncertain Significance.

NM_024422.6(DSC2):c.367A>G (p.Arg123Gly)

Gene: DSC2 (desmocollin 2; minus strand). Cytogenetic location: 18q12.1.
Variant type: single nucleotide variant.
Coding change: c.367A>G on transcript NM_024422.6 (MANE Select); coding-DNA position 367, A replaced by G.
Protein change: p.Arg123Gly; replaces arginine 123 with glycine.
Molecular consequence: missense variant.
Genome position (GRCh38, 1-based): chr18:31,091,135, T>C on the plus strand (A>G on the coding strand, the complement: DSC2 is on the minus strand). VCF-style: chr18-31091135-T-C. GRCh37 (hg19) VCF-style: chr18-28671098-T-C.
Other names: c.367A>G, p.Arg123Gly (NM_004949.5); short protein forms R123G.
Identifiers: ClinVar variation 1332426 (VCV001332426.3), dbSNP rs1987583524, ClinGen allele CA402114499.